The following is an entry in ClinVar:

NM_006662.3(SRCAP):c.7262dup (p.Ser2422fs)

Gene: SRCAP (Snf2 related CREBBP activator protein; plus strand). Cytogenetic location: 16p11.2.
Variant type: Duplication.
Coding change: c.7262dup on transcript NM_006662.3 (MANE Select); coding-DNA position 7262, one base duplicated (G; older notation c.7262dupG).
Protein change: p.Ser2422fs; shifts the reading frame from serine 2422.
Molecular consequence: frameshift variant.
Genome position (GRCh38, 1-based): chr16:30,737,302, G duplicated. VCF-style (leftmost placement, unchanged base first): chr16-30737301-C-CG. GRCh37 (hg19) VCF-style: chr16-30748622-C-CG.
Other names: short protein forms S2422fs.
Identifiers: ClinVar variation 2497991 (VCV002497991.3), dbSNP rs2506726491, ClinGen allele CA2580091481.
Genomic context (GRCh38, chr16:30,737,301, plus strand): 5'-GGAGCCCGGGCTGAGACTCAAGGGGCAAACCACACTCCTGTCATATCCGCCCATCAAACT[C>CG]GCAGCACCACCACACCACCCCGCTGCAGTCCTGCCAGGGAGCGAGTTCCCAGGCCAGCAC-3'

ClinVar aggregate classification (germline): Pathogenic/Likely pathogenic. Review status: criteria provided, multiple submitters, no conflicts (2 of 4 stars). 2 submissions from 2 submitters: Pathogenic (1); Likely pathogenic (1). Last evaluated 2026-03-02.

Submissions (2):

Dasa
Classification: Likely pathogenic. Last evaluated: 2026-03-02. Review status: criteria provided, single submitter. Criteria: DASA Assertion Criteria. Collection method: clinical testing. Allele origin: germline.
Comment: NM_006662.3(SRCAP):c.7262dup (p.Ser2422Glnfs*21) is a frameshift variant in SRCAP predicted to alter the reading frame and introduce a premature termination codon and is predicted to result in an absent or altered protein product. Loss of function is an established disease mechanism for SRCAP (PMID: 33909990; PMID: 25451714). This variant has been reported in individuals with SRCAP-related disorders (PMID: 31715605). Also, this variant is rare in population databases. Based on the currently available evidence, this variant is classified as likely pathogenic.

GeneDx
Classification: Pathogenic. Last evaluated: 2022-10-07. Review status: criteria provided, single submitter. Criteria: GeneDx Variant Classification Process June 2021. Collection method: clinical testing. Allele origin: germline. Affected: yes.
Comment: Frameshift variant predicted to result in protein truncation, as the last 809 amino acids are replaced with 20 different amino acids, and other loss-of-function variants have been reported downstream in HGMD; Not observed at significant frequency in large population cohorts (gnomAD); Has not been previously published as pathogenic or benign to our knowledge

Literature cited by the submitters: PubMed 31715605 (cited by Dasa); PubMed 33909990 (cited by Dasa); PubMed 25451714 (cited by Dasa).